The following is an entry in ClinVar:

NM_001378457.1(DMXL2):c.8412T>A (p.Ala2804=)

Gene: DMXL2 (Dmx like 2; minus strand). Cytogenetic location: 15q21.2.
Variant type: single nucleotide variant.
Coding change: c.8412T>A on transcript NM_001378457.1 (MANE Select); coding-DNA position 8412, T replaced by A.
Protein change: p.Ala2804=; no amino-acid change (alanine 2804 retained).
Molecular consequence: synonymous variant. On other transcripts: non-coding transcript variant (2).
Genome position (GRCh38, 1-based): chr15:51,456,180, A>T on the plus strand (T>A on the coding strand, the complement: DMXL2 is on the minus strand). VCF-style: chr15-51456180-A-T. GRCh37 (hg19) VCF-style: chr15-51748377-A-T.
Other names: c.8349T>A, p.Ala2783= (NM_001174116.3); c.6438T>A, p.Ala2146= (NM_001174117.3); c.8409T>A, p.Ala2803= (NM_001378458.1); c.8124T>A, p.Ala2708= (NM_001378459.1); c.6327T>A, p.Ala2109= (NM_001378460.1); c.8346T>A, p.Ala2782= (NM_015263.5).
Identifiers: ClinVar variation 3346409 (VCV003346409.1).
Genomic context (GRCh38, chr15:51,456,180, plus strand): 5'-ACGAAAGCAGACAAGTTGCTGAGGCCGCGTCCATTCAAACATTCGTACACTGCCGTCCTG[A>T]GCACCTGTAAGATCTGAAACACAAGAGAAAAAGCAGGAAATAAGAAATTAAAGAGTTCCA-3'
Protein context (NP_001365386.1, residues 2794-2814): HPVHQYYLTG[Ala2804=]QDGSVRMFEW

ClinVar aggregate classification (germline): Likely benign (0 of 4 stars; one submission).

Conditions:
DMXL2-related disorder. Also called: DMXL2-related condition.

Submission:

PreventionGenetics, part of Exact Sciences
Classification: Likely benign for DMXL2-related condition. Last evaluated: 2024-06-20. Review status: no assertion criteria provided. Collection method: clinical testing. Allele origin: germline.
Comment: This variant is classified as likely benign based on ACMG/AMP sequence variant interpretation guidelines (Richards et al. 2015 PMID: 25741868, with internal and published modifications).